The following is an entry in ClinVar:

ClinVar aggregate classification (germline): Uncertain significance (1 of 4 stars; one submission).

Conditions:
KBG syndrome (KBGS). Also called: ANKRD11-Related KBG Syndrome. Identifiers: Orphanet 2332, MedGen C0220687, MONDO:0007846, OMIM 148050.

Allele frequency attached by ClinVar (database versions not stated): gnomAD exomes below 0.00001.
gnomAD v4.1: 19 of 1,613,092 alleles (0.0012%); highest among the groups gnomAD compares: Non-Finnish European, 0.0015%; no homozygotes.

Submission:

Baylor Genetics
Classification: Uncertain significance for KBG syndrome. Last evaluated: 2019-08-23. Review status: criteria provided, single submitter. Criteria: ACMG Guidelines, 2015. Collection method: clinical testing. Allele origin: unknown. Affected: yes.
Comment: This variant was determined to be of uncertain significance according to ACMG Guidelines, 2015 [PMID:25741868].

NM_013275.6(ANKRD11):c.4553C>G (p.Ser1518Cys)

Gene: ANKRD11 (ankyrin repeat domain 11; minus strand). Cytogenetic location: 16q24.3.
Variant type: single nucleotide variant.
Coding change: c.4553C>G on transcript NM_013275.6 (MANE Select); coding-DNA position 4553, C replaced by G.
Protein change: p.Ser1518Cys; replaces serine 1518 with cysteine.
Molecular consequence: missense variant.
Genome position (GRCh38, 1-based): chr16:89,281,989, G>C on the plus strand (C>G on the coding strand, the complement: ANKRD11 is on the minus strand). VCF-style: chr16-89281989-G-C. GRCh37 (hg19) VCF-style: chr16-89348397-G-C.
Other names: c.4553C>G, p.Ser1518Cys (NM_001256182.2, NM_001256183.2); short protein forms S1518C.
Identifiers: ClinVar variation 1029214 (VCV001029214.1), dbSNP rs1298767812, ClinGen allele CA397157326.